The following is an entry in ClinVar:

NM_018124.4(RFWD3):c.125A>G (p.Asp42Gly)

Gene: RFWD3 (ring finger and WD repeat domain 3; minus strand). Cytogenetic location: 16q23.1.
Variant type: single nucleotide variant.
Coding change: c.125A>G on transcript NM_018124.4 (MANE Select); coding-DNA position 125, A replaced by G.
Protein change: p.Asp42Gly; replaces aspartic acid 42 with glycine.
Molecular consequence: missense variant. On other transcripts: 5 prime UTR variant (4), intron variant (1).
Genome position (GRCh38, 1-based): chr16:74,661,325, T>C on the plus strand (A>G on the coding strand, the complement: RFWD3 is on the minus strand). VCF-style: chr16-74661325-T-C. GRCh37 (hg19) VCF-style: chr16-74695223-T-C.
Other names: c.125A>G, p.Asp42Gly (NM_001370534.1, NM_001370535.1, NM_001370536.1); c.-884A>G (NM_001370537.1); c.-507A>G (NM_001370539.1, NM_001370541.1); c.-761A>G (NM_001370542.1); c.-639A>G (NM_001370543.1); c.-317+3299A>G (NM_001370540.1); short protein forms D42G.
Identifiers: ClinVar variation 1995730 (VCV001995730.4), dbSNP rs2144357883, ClinGen allele CA396764565.

ClinVar aggregate classification (germline): Uncertain significance (1 of 4 stars; one submission).

Submission:

Labcorp Genetics (formerly Invitae), Labcorp
Classification: Uncertain significance. Last evaluated: 2022-08-31. Review status: criteria provided, single submitter. Criteria: Invitae Variant Classification Sherloc (09022015). Collection method: clinical testing. Allele origin: germline.
Comment: This sequence change replaces aspartic acid, which is acidic and polar, with glycine, which is neutral and non-polar, at codon 42 of the RFWD3 protein (p.Asp42Gly). This variant is not present in population databases (gnomAD no frequency). This variant has not been reported in the literature in individuals affected with RFWD3-related conditions. Algorithms developed to predict the effect of missense changes on protein structure and function are either unavailable or do not agree on the potential impact of this missense change (SIFT: "Deleterious"; PolyPhen-2: "Benign"; Align-GVGD: "Class C0"). In summary, the available evidence is currently insufficient to determine the role of this variant in disease. Therefore, it has been classified as a Variant of Uncertain Significance.